The following is an entry in ClinVar:

ClinVar aggregate classification (germline): Likely benign (0 of 4 stars; one submission).

Conditions:
NFIA-Related Disorder. Also called: NFIA-related condition; NFIA-related disorders. Identifiers: MedGen CN381099.

Allele frequency attached by ClinVar (database versions not stated): 1000 Genomes Project 30x 0.00047.
gnomAD v4.1: 110 of 1,319,384 alleles (0.0083%); highest among the groups gnomAD compares: Admixed American, 0.031%; 12 homozygotes.

Submission:

PreventionGenetics, part of Exact Sciences
Classification: Likely benign for NFIA-related condition. Last evaluated: 2019-12-23. Review status: no assertion criteria provided. Collection method: clinical testing. Allele origin: germline.
Comment: This variant is classified as likely benign based on ACMG/AMP sequence variant interpretation guidelines (Richards et al. 2015 PMID: 25741868, with internal and published modifications).

NM_001134673.4(NFIA):c.1255-9C>T

Gene: NFIA (nuclear factor I A; plus strand). Cytogenetic location: 1p31.3.
Variant type: single nucleotide variant.
Coding change: c.1255-9C>T on transcript NM_001134673.4 (MANE Select); 9 bases into the intron before coding-DNA position 1255, C replaced by T.
Molecular consequence: intron variant.
Genome position (GRCh38, 1-based): chr1:61,406,553, C>T. VCF-style: chr1-61406553-C-T. GRCh37 (hg19) VCF-style: chr1-61872225-C-T.
Other names: c.1231-9C>T (NM_001145511.2); c.1390-9C>T (NM_001145512.2); c.1255-9C>T (NM_005595.5).
Identifiers: ClinVar variation 3034469 (VCV003034469.2), dbSNP rs374963406, ClinGen allele CA881235.